The following is an entry in ClinVar:

ClinVar aggregate classification (germline): Uncertain significance. Review status: criteria provided, multiple submitters, no conflicts (2 of 4 stars). 2 submissions from 2 submitters: Uncertain significance (2). Last evaluated 2025-10-05.

Conditions:
Hereditary cancer-predisposing syndrome. Also called: Hereditary Cancer Syndrome; Hereditary neoplastic syndrome; Neoplastic Syndromes, Hereditary; Tumor predisposition. Identifiers: Orphanet 140162, MedGen C0027672, MeSH D009386, MONDO:0015356.
Familial adenomatous polyposis 1 (FAP1). Also called: FAMILIAL ADENOMATOUS POLYPOSIS 1, ATTENUATED; POLYPOSIS, ADENOMATOUS INTESTINAL. Identifiers: MedGen C2713442, MONDO:0021056, OMIM 175100. Disease mechanism: loss of function.

Submissions (2):

Labcorp Genetics (formerly Invitae), Labcorp
Classification: Uncertain significance for Familial adenomatous polyposis 1. Last evaluated: 2025-10-05. Review status: criteria provided, single submitter. Criteria: Invitae Variant Classification Sherloc (09022015). Collection method: clinical testing. Allele origin: germline.
Comment: This sequence change replaces glycine, which is neutral and non-polar, with arginine, which is basic and polar, at codon 1851 of the APC protein (p.Gly1851Arg). This variant is not present in population databases (gnomAD no frequency). This variant has not been reported in the literature in individuals affected with APC-related conditions. ClinVar contains an entry for this variant (Variation ID: 1748243). Invitae Evidence Modeling of protein sequence and biophysical properties (such as structural, functional, and spatial information, amino acid conservation, physicochemical variation, residue mobility, and thermodynamic stability) indicates that this missense variant is not expected to disrupt APC protein function with a negative predictive value of 95%. In summary, the available evidence is currently insufficient to determine the role of this variant in disease. Therefore, it has been classified as a Variant of Uncertain Significance.

Ambry Genetics
Classification: Uncertain significance for Hereditary cancer-predisposing syndrome. Last evaluated: 2022-01-15. Review status: criteria provided, single submitter. Criteria: Ambry Variant Classification Scheme 2023. Collection method: clinical testing. Allele origin: germline.
Comment: The p.G1851R variant (also known as c.5551G>A), located in coding exon 15 of the APC gene, results from a G to A substitution at nucleotide position 5551. The glycine at codon 1851 is replaced by arginine, an amino acid with dissimilar properties. This amino acid position is conserved. In addition, in silico predictors for this gene do not accurately predict pathogenicity. Since supporting evidence is limited at this time, the clinical significance of this alteration remains unclear.

NM_000038.6(APC):c.5551G>A (p.Gly1851Arg)

Gene: APC (APC regulator of Wnt signaling pathway; plus strand). Cytogenetic location: 5q22.2.
Variant type: single nucleotide variant.
Coding change: c.5551G>A on transcript NM_000038.6 (MANE Select); coding-DNA position 5551, G replaced by A.
Protein change: p.Gly1851Arg; replaces glycine 1851 with arginine.
Molecular consequence: missense variant.
Genome position (GRCh38, 1-based): chr5:112,841,145, G>A. VCF-style: chr5-112841145-G-A. GRCh37 (hg19) VCF-style: chr5-112176842-G-A.
Other names: c.5551G>A, p.Gly1851Arg (NM_001127510.3, NM_001354895.2, NM_001407450.1); c.5497G>A, p.Gly1833Arg (NM_001127511.3); c.5605G>A, p.Gly1869Arg (NM_001354896.2, NM_001407447.1, NM_001407448.1 and 1 more transcripts); c.5581G>A, p.Gly1861Arg (NM_001354897.2); c.5476G>A, p.Gly1826Arg (NM_001354898.2); c.5467G>A, p.Gly1823Arg (NM_001354899.2); c.5428G>A, p.Gly1810Arg (NM_001354900.2); c.5374G>A, p.Gly1792Arg (NM_001354901.2, NM_001407453.1); and 11 more; short protein forms G1467R, G1691R, G1725R, G1826R, G1841R, G1844R, G1851R, G1869R.
Identifiers: ClinVar variation 1748243 (VCV001748243.3), dbSNP rs2149943037, ClinGen allele CA16033476.